The following is an entry in ClinVar:

NM_177402.5(SYT2):c.345+6G>A

Gene: SYT2 (synaptotagmin 2; minus strand). Cytogenetic location: 1q32.1.
Variant type: single nucleotide variant.
Coding change: c.345+6G>A on transcript NM_177402.5 (MANE Select); 6 bases into the intron after coding-DNA position 345, G replaced by A.
Molecular consequence: intron variant.
Genome position (GRCh38, 1-based): chr1:202,604,449, C>T on the plus strand (G>A on the coding strand, the complement: SYT2 is on the minus strand). VCF-style: chr1-202604449-C-T. GRCh37 (hg19) VCF-style: chr1-202573577-C-T.
Other names: c.345+6G>A (NM_001136504.1).
Identifiers: ClinVar variation 4728302 (VCV004728302.1).

ClinVar aggregate classification (germline): Uncertain significance (1 of 4 stars; one submission).

gnomAD v4.1: 3 of 1,613,788 alleles (0.00019%); highest among the groups gnomAD compares: Non-Finnish European, 0.00025%; no homozygotes.

Submission:

Labcorp Genetics (formerly Invitae), Labcorp
Classification: Uncertain significance. Last evaluated: 2025-10-01. Review status: criteria provided, single submitter. Criteria: Invitae Variant Classification Sherloc (09022015). Collection method: clinical testing. Allele origin: germline.
Comment: This sequence change falls in intron 3 of the SYT2 gene. It does not directly change the encoded amino acid sequence of the SYT2 protein. It affects a nucleotide within the consensus splice site. This variant is present in population databases (no rsID available, gnomAD 0.0009%). This variant has not been reported in the literature in individuals affected with SYT2-related conditions. Variants that disrupt the consensus splice site are a relatively common cause of aberrant splicing (PMID: 17576681, 9536098). Algorithms developed to predict the effect of sequence changes on RNA splicing suggest that this variant is not likely to affect RNA splicing. In summary, the available evidence is currently insufficient to determine the role of this variant in disease. Therefore, it has been classified as a Variant of Uncertain Significance.

Literature cited by the submitters: PubMed 17576681; PubMed 9536098.